The following is an entry in ClinVar:

NM_004370.6(COL12A1):c.8922G>C (p.Gln2974His)

Gene: COL12A1 (collagen type XII alpha 1 chain; minus strand). Cytogenetic location: 6q13.
Variant type: single nucleotide variant.
Coding change: c.8922G>C on transcript NM_004370.6 (MANE Select); coding-DNA position 8922, G replaced by C.
Protein change: p.Gln2974His; replaces glutamine 2974 with histidine.
Molecular consequence: missense variant.
Genome position (GRCh38, 1-based): chr6:75,090,129, C>G on the plus strand (G>C on the coding strand, the complement: COL12A1 is on the minus strand). VCF-style: chr6-75090129-C-G. GRCh37 (hg19) VCF-style: chr6-75799845-C-G.
Other names: c.8922G>C, p.Gln2974His (NM_001424113.1); c.8901G>C, p.Gln2967His (NM_001424114.1); c.8649G>C, p.Gln2883His (NM_001424115.1); c.5430G>C, p.Gln1810His (NM_001424116.1, NM_080645.3); short protein forms Q1810H, Q2967H, Q2883H, Q2974H.
Identifiers: ClinVar variation 2932724 (VCV002932724.3), dbSNP rs2533030888, ClinGen allele CA364734489.
Genomic context (GRCh38, chr6:75,090,129, plus strand): 5'-ATTCCTTCCTTTATCCCAATACAGAAGCCAGAAATGCCTACCTCGTTCCCCAGGGGGTCC[C>G]TGCATCCCTGGTGTGCCCGGGAAGCCTGGCCGCCCCCCAGGCCCAGGTTCTCCTCTGGCT-3'
Protein context (NP_004361.3, residues 2964-2984): RPGFPGTPGM[Gln2974His]GPPGERGLPG

ClinVar aggregate classification (germline): Uncertain significance (1 of 4 stars; one submission).

Conditions:
Ullrich congenital muscular dystrophy 2 (UCMD2). Identifiers: Orphanet 75840, MedGen C4225314, MONDO:0014654, OMIM 616470.
Bethlem myopathy 2 (BTHLM2). Identifiers: Orphanet 536516, Orphanet 610, MedGen C4225313, MONDO:0034022, OMIM 616471.

Submission:

Labcorp Genetics (formerly Invitae), Labcorp
Classification: Uncertain significance for Bethlem myopathy 2; Ullrich congenital muscular dystrophy 2. Last evaluated: 2023-08-18. Review status: criteria provided, single submitter. Criteria: Invitae Variant Classification Sherloc (09022015). Collection method: clinical testing. Allele origin: germline.
Comment: In summary, the available evidence is currently insufficient to determine the role of this variant in disease. Therefore, it has been classified as a Variant of Uncertain Significance. An algorithm developed to predict the effect of missense changes on protein structure and function (PolyPhen-2) suggests that this variant is likely to be disruptive. This variant has not been reported in the literature in individuals affected with COL12A1-related conditions. This variant is not present in population databases (gnomAD no frequency). This sequence change replaces glutamine, which is neutral and polar, with histidine, which is basic and polar, at codon 2974 of the COL12A1 protein (p.Gln2974His).